The following is an entry in ClinVar:

ClinVar aggregate classification (germline): Benign/Likely benign. Review status: criteria provided, multiple submitters, no conflicts (2 of 4 stars). 6 submissions from 6 submitters: Benign (5); Likely benign (1). Last evaluated 2026-01-25.

Conditions:
Pyogenic arthritis-pyoderma gangrenosum-acne syndrome (PAPA). Also called: FAMILIAL RECURRENT ARTHRITIS; PAPA SYNDROME. Identifiers: Orphanet 69126, MedGen C1858361, MONDO:0011462, OMIM 604416.

Allele frequency attached by ClinVar (database versions not stated): ExAC 0.00108; gnomAD 0.00111 and 0.00114; gnomAD exomes 0.00118 and 0.00203; 1000 Genomes Project 0.00120; TOPMed 0.00131; ESP Exome Variant Server 0.00161; 1000 Genomes Project 30x 0.00172.
gnomAD v4.1: 3,082 of 1,602,990 alleles (0.19%); highest among the groups gnomAD compares: Non-Finnish European, 0.24%; 4 homozygotes.

Submissions (6):

Labcorp Genetics (formerly Invitae), Labcorp
Classification: Benign for Pyogenic arthritis-pyoderma gangrenosum-acne syndrome. Last evaluated: 2026-01-25. Review status: criteria provided, single submitter. Criteria: Invitae Variant Classification Sherloc (09022015). Collection method: clinical testing. Allele origin: germline.

Women's Health and Genetics/Laboratory Corporation of America, LabCorp
Classification: Benign. Last evaluated: 2025-10-28. Review status: criteria provided, single submitter. Criteria: LabCorp Variant Classification Summary - May 2015. Collection method: clinical testing. Allele origin: germline.

ARUP Laboratories, Molecular Genetics and Genomics, ARUP Laboratories
Classification: Benign. Last evaluated: 2025-05-12. Review status: criteria provided, single submitter. Criteria: ARUP Molecular Germline Variant Investigation Process 2024. Collection method: clinical testing. Allele origin: germline.

Blueprint Genetics
Classification: Likely benign. Last evaluated: 2024-11-11. Review status: criteria provided, single submitter. Criteria: ACMG Guidelines, 2015. Collection method: clinical testing. Allele origin: germline.

GeneDx
Classification: Benign. Last evaluated: 2011-10-27. Review status: criteria provided, single submitter. Criteria: GeneDx Variant Classification (06012015). Collection method: clinical testing. Allele origin: germline. Affected: yes.
Comment: This variant is considered likely benign or benign based on one or more of the following criteria: it is a conservative change, it occurs at a poorly conserved position in the protein, it is predicted to be benign by multiple in silico algorithms, and/or has population frequency not consistent with disease.

Breakthrough Genomics
Classification: Benign. Review status: criteria provided, single submitter. Criteria: ACMG Guidelines, 2015. Collection method: not provided. Allele origin: germline. Inheritance: Autosomal dominant inheritance. Affected: yes.

NM_003978.5(PSTPIP1):c.247+20G>A

Gene: PSTPIP1 (proline-serine-threonine phosphatase interacting protein 1; plus strand). Cytogenetic location: 15q24.3.
Variant type: single nucleotide variant.
Coding change: c.247+20G>A on transcript NM_003978.5 (MANE Select); 20 bases into the intron after coding-DNA position 247, G replaced by A.
Molecular consequence: intron variant.
Genome position (GRCh38, 1-based): chr15:77,025,338, G>A. VCF-style: chr15-77025338-G-A. GRCh37 (hg19) VCF-style: chr15-77317679-G-A.
Other names: c.247+20G>A (LRG_172t1, NM_001321135.2); c.442+20G>A (NM_001321137.1); c.220+20G>A (NM_001321136.2).
Identifiers: ClinVar variation 138820 (VCV000138820.23), dbSNP rs188931087, ClinGen allele CA292930.